The following is an entry in ClinVar:

ClinVar aggregate classification (germline): Likely pathogenic (1 of 4 stars; one submission).

Conditions:
NOTCH2-related disorder. Also called: NOTCH2-related condition.

Submission:

PreventionGenetics, part of Exact Sciences
Classification: Likely pathogenic for NOTCH2-related condition. Last evaluated: 2026-06-12. Review status: criteria provided, single submitter. Criteria: ACMG Guidelines, 2015. Collection method: clinical testing. Allele origin: germline.
Comment: The NOTCH2 c.1418A>T variant is predicted to result in the amino acid substitution p.Asp473Val. This variant has been reported in an individual with Alagille syndrome (ALGS) (Gilbert et al. 2019. PubMed ID: 31343788) and has been reported to be de novo in an individual with brain arteriovenous malformation (AVM) (Huang et al. 2022. PubMed ID: 35949829). This variant has not been reported in a large population database (gnomAD), indicating this variant is rare. This variant is interpreted as likely pathogenic.

NM_024408.4(NOTCH2):c.1418A>T (p.Asp473Val)

Gene: NOTCH2 (notch receptor 2; minus strand). Cytogenetic location: 1p12.
Variant type: single nucleotide variant.
Coding change: c.1418A>T on transcript NM_024408.4 (MANE Select); coding-DNA position 1418, A replaced by T.
Protein change: p.Asp473Val; replaces aspartic acid 473 with valine.
Molecular consequence: missense variant.
Genome position (GRCh38, 1-based): chr1:119,967,468, T>A on the plus strand (A>T on the coding strand, the complement: NOTCH2 is on the minus strand). VCF-style: chr1-119967468-T-A. GRCh37 (hg19) VCF-style: chr1-120510091-T-A.
Other names: c.1418A>T, p.Asp473Val (NM_001200001.2); short protein forms D473V.
Identifiers: ClinVar variation 4991288 (VCV004991288.1).